The following is an entry in ClinVar:

ClinVar aggregate classification (germline): Likely benign. Review status: criteria provided, multiple submitters, no conflicts (2 of 4 stars). 2 submissions from 2 submitters: Likely benign (2). Last evaluated 2025-02-26.

Conditions:
Autosomal recessive limb-girdle muscular dystrophy type 2J (LGMDR10). Also called: Limb-girdle muscular dystrophy, type 2J; MUSCULAR DYSTROPHY, LIMB-GIRDLE, AUTOSOMAL RECESSIVE 10. Identifiers: Orphanet 140922, MedGen C1837342, MONDO:0012127, OMIM 608807.
Dilated cardiomyopathy 1G (CMD1G). Identifiers: Orphanet 154, MedGen C1858763, MONDO:0011400, OMIM 604145.

Allele frequency attached by ClinVar (database versions not stated): gnomAD exomes below 0.00001; ExAC 0.00001.
gnomAD v4.1: 4 of 1,602,658 alleles (0.00025%); highest among the groups gnomAD compares: Non-Finnish European, 0.00025%; no homozygotes.

Submissions (2):

Labcorp Genetics (formerly Invitae), Labcorp
Classification: Likely benign for Dilated cardiomyopathy 1G; Autosomal recessive limb-girdle muscular dystrophy type 2J. Last evaluated: 2025-02-26. Review status: criteria provided, single submitter. Criteria: Invitae Variant Classification Sherloc (09022015). Collection method: clinical testing. Allele origin: germline.

CeGaT Center for Human Genetics Tuebingen
Classification: Likely benign. Last evaluated: 2023-07-01. Review status: criteria provided, single submitter. Criteria: CeGaT Center For Human Genetics Tuebingen Variant Classification Criteria Version 2. Collection method: clinical testing. Allele origin: germline. Affected: yes. Observed: 1 variant allele.
Comment: TTN: BP4, BP7

NM_001267550.2(TTN):c.106500T>C (p.Ser35500=)

Genes: TTN (titin; minus strand), TTN-AS1 (TTN antisense RNA 1; plus strand). Cytogenetic location: 2q31.2.
Variant type: single nucleotide variant.
Coding change: c.106500T>C on transcript NM_001267550.2 (MANE Select); coding-DNA position 106500, T replaced by C.
Protein change: p.Ser35500=; no amino-acid change (serine 35500 retained).
Molecular consequence: synonymous variant.
Genome position (GRCh38, 1-based): chr2:178,529,991, A>G on the plus strand (T>C on the coding strand, the complement: TTN is on the minus strand). VCF-style: chr2-178529991-A-G. GRCh37 (hg19) VCF-style: chr2-179394718-A-G.
Other names: c.101577T>C, p.Ser33859= (NM_001256850.1); c.79305T>C, p.Ser26435= (NM_003319.4); c.98796T>C, p.Ser32932= (NM_133378.4); c.79680T>C, p.Ser26560= (NM_133432.3); c.79881T>C, p.Ser26627= (NM_133437.4).
Identifiers: ClinVar variation 2651576 (VCV002651576.27), dbSNP rs773338600, ClinGen allele CA1985097.